The following is an entry in ClinVar:

NM_001035.3(RYR2):c.7030C>G (p.Leu2344Val)

Gene: RYR2 (ryanodine receptor 2; plus strand). Cytogenetic location: 1q43.
Variant type: single nucleotide variant.
Coding change: c.7030C>G on transcript NM_001035.3 (MANE Select); coding-DNA position 7030, C replaced by G.
Protein change: p.Leu2344Val; replaces leucine 2344 with valine.
Molecular consequence: missense variant.
Genome position (GRCh38, 1-based): chr1:237,639,116, C>G. VCF-style: chr1-237639116-C-G. GRCh37 (hg19) VCF-style: chr1-237802416-C-G.
Other names: short protein forms L2344V.
Identifiers: ClinVar variation 3347224 (VCV003347224.1).
Genomic context (GRCh38, chr1:237,639,116, plus strand): 5'-CTCATTCGGAGGCCTGAGTGTTTTGGTCCTGCTTTGAGAGGAGAAGGTGGGAATGGGCTT[C>G]TTGCAGCAATGGAAGAAGCCATCAAAATCGCCGAGGATCCTTCCCGAGATGGTCCCTCAC-3'
Protein context (NP_001026.2, residues 2334-2354): ALRGEGGNGL[Leu2344Val]AAMEEAIKIA

ClinVar aggregate classification (germline): Uncertain significance (0 of 4 stars; one submission).

Conditions:
RYR2-related disorder. Also called: RYR2-related condition.

Submission:

PreventionGenetics, part of Exact Sciences
Classification: Uncertain significance for RYR2-related condition. Last evaluated: 2024-09-08. Review status: no assertion criteria provided. Collection method: clinical testing. Allele origin: germline.
Comment: The RYR2 c.7030C>G variant is predicted to result in the amino acid substitution p.Leu2344Val. To our knowledge, this variant has not been reported in the literature or in a large population database, indicating this variant is rare. At this time, the clinical significance of this variant is uncertain due to the absence of conclusive functional and genetic evidence.